The following is an entry in ClinVar:

ClinVar aggregate classification (germline): Uncertain significance (1 of 4 stars; one submission).

Submission:

CeGaT Center for Human Genetics Tuebingen
Classification: Uncertain significance. Last evaluated: 2025-06-01. Review status: criteria provided, single submitter. Criteria: CeGaT Center For Human Genetics Tuebingen Variant Classification Criteria Version 2. Collection method: clinical testing. Allele origin: germline. Affected: yes. Observed: 1 variant allele.
Comment: IQSEC2: PM2, PM4

NM_001111125.3(IQSEC2):c.1019_1066del (p.Lys340_Gln355del)

Gene: IQSEC2 (IQ motif and Sec7 domain ArfGEF 2; minus strand). Cytogenetic location: Xp11.22.
Variant type: Deletion.
Coding change: c.1019_1066del on transcript NM_001111125.3 (MANE Select); coding-DNA positions 1019 to 1066, 48 bases deleted.
Protein change: p.Lys340_Gln355del.
Molecular consequence: inframe deletion.
Genome position (GRCh38, 1-based): chrX:53,254,865-53,254,912, 48 bases deleted; deleting any 48 consecutive bases within chrX:53,254,865-53,254,914 gives the same sequence; the c. name uses the placement nearest the transcript's 3' end. GRCh37 (hg19): chrX:53,284,049-53,284,096.
Other names: c.1019_1066del, p.Lys340_Gln355del (NM_001410736.1); c.404_451del, p.Lys135_Gln150del (NM_015075.2).
Identifiers: ClinVar variation 3905896 (VCV003905896.10).